The following is an entry in ClinVar:

NM_004064.5(CDKN1B):c.174dup (p.Lys59fs)

Gene: CDKN1B (cyclin dependent kinase inhibitor 1B; plus strand). Cytogenetic location: 12p13.1.
Variant type: Duplication.
Coding change: c.174dup on transcript NM_004064.5 (MANE Select); coding-DNA position 174, one base duplicated (C; older notation c.174dupC).
Protein change: p.Lys59fs; shifts the reading frame from lysine 59.
Molecular consequence: frameshift variant.
Genome position (GRCh38, 1-based): chr12:12,718,013, C duplicated. VCF-style (leftmost placement, unchanged base first): chr12-12718012-G-GC. GRCh37 (hg19) VCF-style: chr12-12870946-G-GC.
Other names: short protein forms K59fs.
Identifiers: ClinVar variation 2969858 (VCV002969858.4), dbSNP rs2497404433, ClinGen allele CA2617685663.
Genomic context (GRCh38, chr12:12,718,012, plus strand): 5'-ACGAAGAGTTAACCCGGGACTTGGAGAAGCACTGCAGAGACATGGAAGAGGCGAGCCAGC[G>GC]CAAGTGGAATTTCGATTTTCAGAATCACAAACCCCTAGAGGGCAAGTACGAGTGGCAAGA-3'

ClinVar aggregate classification (germline): Pathogenic/Likely pathogenic. Review status: criteria provided, multiple submitters, no conflicts (2 of 4 stars). 2 submissions from 2 submitters: Pathogenic (1); Likely pathogenic (1). Last evaluated 2024-01-06.

Conditions:
Multiple endocrine neoplasia type 4. Also called: MULTIPLE ENDOCRINE NEOPLASIA, TYPE IV. Identifiers: Orphanet 276152, MedGen C1970712, MONDO:0012552, OMIM 610755.

Allele frequency attached by ClinVar (database versions not stated): gnomAD exomes below 0.00001.

Submissions (2):

Fulgent Genetics
Classification: Likely pathogenic for Multiple endocrine neoplasia type 4. Last evaluated: 2024-01-06. Review status: criteria provided, single submitter. Criteria: ACMG Guidelines, 2015. Collection method: clinical testing. Allele origin: germline.

Labcorp Genetics (formerly Invitae), Labcorp
Classification: Pathogenic for Multiple endocrine neoplasia type 4. Last evaluated: 2023-03-31. Review status: criteria provided, single submitter. Criteria: Invitae Variant Classification Sherloc (09022015). Collection method: clinical testing. Allele origin: germline.
Comment: For these reasons, this variant has been classified as Pathogenic. This sequence change creates a premature translational stop signal (p.Lys59Glnfs*66) in the CDKN1B gene. It is expected to result in an absent or disrupted protein product. Loss-of-function variants in CDKN1B are known to be pathogenic (PMID: 17030811, 24819502). This variant is not present in population databases (gnomAD no frequency). This variant has not been reported in the literature in individuals affected with CDKN1B-related conditions.

Literature cited by the submitters: PubMed 17030811 (cited by Labcorp Genetics (formerly Invitae), Labcorp); PubMed 24819502 (cited by Labcorp Genetics (formerly Invitae), Labcorp).